The following is an entry in ClinVar:

NM_006279.5(ST3GAL3):c.636C>T (p.Gly212=)

Gene: ST3GAL3 (ST3 beta-galactoside alpha-2,3-sialyltransferase 3; plus strand). Cytogenetic location: 1p34.1.
Variant type: single nucleotide variant.
Coding change: c.636C>T on transcript NM_006279.5 (MANE Select); coding-DNA position 636, C replaced by T.
Protein change: p.Gly212=; no amino-acid change (glycine 212 retained).
Molecular consequence: synonymous variant. On other transcripts: non-coding transcript variant (5), intron variant (7).
Genome position (GRCh38, 1-based): chr1:43,899,619, C>T. VCF-style: chr1-43899619-C-T. GRCh37 (hg19) VCF-style: chr1-44365291-C-T.
Other names: p.Gly212=; c.636C>T, p.Gly212= (NM_001270459.2, NM_001350620.2, NM_174966.4); c.543C>T, p.Gly181= (NM_001270460.2); c.588C>T, p.Gly196= (NM_001270461.3, NM_174969.4); c.495C>T, p.Gly165= (NM_001270462.3); c.681C>T, p.Gly227= (NM_001350619.2, NM_174964.4); c.357C>T, p.Gly119= (NM_001350621.2); c.798C>T, p.Gly266= (NM_001363573.2, NM_174968.5); and 9 more.
Identifiers: ClinVar variation 130380 (VCV000130380.58), dbSNP rs12140044, ClinGen allele CA155300.

ClinVar aggregate classification (germline): Benign/Likely benign. Review status: criteria provided, multiple submitters, no conflicts (2 of 4 stars). 10 submissions from 10 submitters: Benign (6); Likely benign (4). Last evaluated 2026-09-01.

Conditions:
Early-infantile DEE. Also called: Early infantile epileptic encephalopathy; Ohtahara syndrome; Early infantile epileptic encephalopathy with suppression bursts. Identifiers: Orphanet 1934, MedGen C0393706, MONDO:0800491.
Inborn genetic diseases. Identifiers: MedGen C0950123, MeSH D030342.

Allele frequency attached by ClinVar (database versions not stated): gnomAD exomes 0.00450 and 0.00585; gnomAD 0.00451 and 0.00431; ExAC 0.00460; ESP Exome Variant Server 0.00477; 1000 Genomes Project 30x 0.00156; 1000 Genomes Project 0.00160; TOPMed 0.00354.
gnomAD v4.1: 9,112 of 1,614,132 alleles (0.56%); highest among the groups gnomAD compares: Non-Finnish European, 0.68%; 42 homozygotes.

Submissions (10):

CeGaT Center for Human Genetics Tuebingen
Classification: Likely benign. Last evaluated: 2026-09-01. Review status: criteria provided, single submitter. Criteria: CeGaT Center For Human Genetics Tuebingen Variant Classification Criteria Version 2. Collection method: clinical testing. Allele origin: germline. Affected: yes. Observed: 42 variant alleles.
Comment: ST3GAL3: BP4, BP7, BS2

Labcorp Genetics (formerly Invitae), Labcorp
Classification: Benign for Early-infantile DEE. Last evaluated: 2026-01-26. Review status: criteria provided, single submitter. Criteria: Invitae Variant Classification Sherloc (09022015). Collection method: clinical testing. Allele origin: germline.

ARUP Laboratories, Molecular Genetics and Genomics, ARUP Laboratories
Classification: Benign. Last evaluated: 2025-03-04. Review status: criteria provided, single submitter. Criteria: ARUP Molecular Germline Variant Investigation Process 2024. Collection method: clinical testing. Allele origin: germline.

Blueprint Genetics
Classification: Likely benign. Last evaluated: 2024-11-25. Review status: criteria provided, single submitter. Criteria: ACMG Guidelines, 2015. Collection method: clinical testing. Allele origin: germline.

Mayo Clinic Laboratories, Mayo Clinic
Classification: Benign. Last evaluated: 2019-02-19. Review status: criteria provided, single submitter. Criteria: ACMG Guidelines, 2015. Collection method: clinical testing. Allele origin: germline. Observed: 5 variant alleles.

Athena Diagnostics
Classification: Benign. Last evaluated: 2017-06-22. Review status: criteria provided, single submitter. Criteria: Athena Diagnostics Criteria. Collection method: clinical testing. Allele origin: germline.

Ambry Genetics
Classification: Likely benign for Inborn genetic diseases. Last evaluated: 2016-07-06. Review status: criteria provided, single submitter. Criteria: Ambry Variant Classification Scheme 2023. Collection method: clinical testing. Allele origin: germline.

Eurofins Ntd Llc (ga)
Classification: Benign. Last evaluated: 2015-01-12. Review status: criteria provided, single submitter. Criteria: EGL Classification Definitions 2015. Collection method: clinical testing. Allele origin: germline. Observed: 1 variant allele, 1 heterozygote.

Genetic Services Laboratory, University of Chicago
Classification: Benign for AllHighlyPenetrant. Last evaluated: 2013-11-25. Review status: criteria provided, single submitter. Criteria: ACMG Guidelines, 2007. Collection method: clinical testing. Allele origin: germline. Inheritance: Autosomal recessive inheritance.

Breakthrough Genomics
Classification: Likely benign. Review status: criteria provided, single submitter. Criteria: ACMG Guidelines, 2015. Collection method: not provided. Allele origin: germline. Inheritance: Autosomal recessive inheritance. Affected: yes.